The following is an entry in ClinVar:

NM_152744.4(SDK1):c.6609A>T (p.Arg2203=)

Gene: SDK1 (sidekick cell adhesion molecule 1; plus strand). Cytogenetic location: 7p22.2.
Variant type: single nucleotide variant.
Coding change: c.6609A>T on transcript NM_152744.4 (MANE Select); coding-DNA position 6609, A replaced by T.
Protein change: p.Arg2203=; no amino-acid change (arginine 2203 retained).
Molecular consequence: synonymous variant. On other transcripts: intron variant (1).
Genome position (GRCh38, 1-based): chr7:4,265,351, A>T. VCF-style: chr7-4265351-A-T. GRCh37 (hg19) VCF-style: chr7-4304983-A-T.
Other names: c.1967+103A>T (NM_001079653.2).
Identifiers: ClinVar variation 2657256 (VCV002657256.24), dbSNP rs201456300, ClinGen allele CA4136266.
Genomic context (GRCh38, chr7:4,265,351, plus strand): 5'-CCCGGTCATCACCACGCAGAGCGCGGGCGGCGTCTACACCCCCGCTGGCCCCGGCGCGCG[A>T]ACTCCGCTCACCGGCTTCTCCTCCTTCGTGTGAGCAAAGCGCCGCGCCTCCCTCAGGGCG-3'
Protein context (NP_689957.3, residues 2193-2213): GVYTPAGPGA[Arg2203=]TPLTGFSSFV

ClinVar aggregate classification (germline): Likely benign (1 of 4 stars; one submission).

Allele frequency attached by ClinVar (database versions not stated): 1000 Genomes Project 30x 0.00078; 1000 Genomes Project 0.00080; ESP Exome Variant Server 0.00201; gnomAD 0.00285; TOPMed 0.00291; gnomAD exomes 0.00398; ExAC 0.00537.
gnomAD v4.1: 5,636 of 1,459,324 alleles (0.39%); highest among the groups gnomAD compares: Non-Finnish European, 0.41%; 26 homozygotes.

Submission:

CeGaT Center for Human Genetics Tuebingen
Classification: Likely benign. Last evaluated: 2022-07-01. Review status: criteria provided, single submitter. Criteria: CeGaT Center For Human Genetics Tuebingen Variant Classification Criteria Version 2. Collection method: clinical testing. Allele origin: germline. Affected: yes. Observed: 2 variant alleles.
Comment: SDK1: BP4, BP7